The following is an entry in ClinVar:

NM_000208.4(INSR):c.250A>G (p.Ile84Val)

Gene: INSR (insulin receptor; minus strand). Cytogenetic location: 19p13.2.
Variant type: single nucleotide variant.
Coding change: c.250A>G on transcript NM_000208.4 (MANE Select); coding-DNA position 250, A replaced by G.
Protein change: p.Ile84Val; replaces isoleucine 84 with valine.
Molecular consequence: missense variant.
Genome position (GRCh38, 1-based): chr19:7,267,747, T>C on the plus strand (A>G on the coding strand, the complement: INSR is on the minus strand). VCF-style: chr19-7267747-T-C. GRCh37 (hg19) VCF-style: chr19-7267758-T-C.
Other names: c.250A>G, p.Ile84Val (NM_001079817.3); short protein forms I84V.
Identifiers: ClinVar variation 1327336 (VCV001327336.2), dbSNP rs772506019, ClinGen allele CA403160253.
Genomic context (GRCh38, chr19:7,267,747, plus strand): 5'-GGAACAGGTCCTTCAGGCTCTCGAGCCCATAGACCCGGAAGAGCAGCAAGTAATCAGTGA[T>C]CATGATGAGTTTGGGGAAACTGAGGTCTCGGAAATCTTCGGGCCTCGTTTTGAACATCAA-3'
Protein context (NP_000199.2, residues 74-94): RDLSFPKLIM[Ile84Val]TDYLLLFRVY

ClinVar aggregate classification (germline): Uncertain significance (1 of 4 stars; one submission).

Submission:

GeneDx
Classification: Uncertain significance. Last evaluated: 2021-06-01. Review status: criteria provided, single submitter. Criteria: GeneDx Variant Classification Process June 2021. Collection method: clinical testing. Allele origin: germline. Affected: yes.
Comment: Not observed at significant frequency in large population cohorts (Lek et al., 2016); In silico analysis supports that this missense variant does not alter protein structure/function; Has not been previously published as pathogenic or benign to our knowledge; This variant is associated with the following publications: (PMID: 27535533)